The following is an entry in ClinVar:

ClinVar aggregate classification (germline): Uncertain significance (1 of 4 stars; one submission).

Allele frequency attached by ClinVar (database versions not stated): gnomAD 0.00001.

Submission:

Labcorp Genetics (formerly Invitae), Labcorp
Classification: Uncertain significance. Last evaluated: 2025-04-10. Review status: criteria provided, single submitter. Criteria: Invitae Variant Classification Sherloc (09022015). Collection method: clinical testing. Allele origin: germline.
Comment: This sequence change replaces serine, which is neutral and polar, with asparagine, which is neutral and polar, at codon 135 of the IRF2BP2 protein (p.Ser135Asn). This variant is present in population databases (no rsID available, gnomAD 0.01%). This variant has not been reported in the literature in individuals affected with IRF2BP2-related conditions. ClinVar contains an entry for this variant (Variation ID: 1953530). An algorithm developed to predict the effect of missense changes on protein structure and function (PolyPhen-2) suggests that this variant is likely to be tolerated. In summary, the available evidence is currently insufficient to determine the role of this variant in disease. Therefore, it has been classified as a Variant of Uncertain Significance.

NM_182972.3(IRF2BP2):c.404G>A (p.Ser135Asn)

Genes: IRF2BP2 (interferon regulatory factor 2 binding protein 2; minus strand), LOC129932812 (ATAC-STARR-seq lymphoblastoid silent region 1977; plus strand). Cytogenetic location: 1q42.3.
Variant type: single nucleotide variant.
Coding change: c.404G>A on transcript NM_182972.3 (MANE Select); coding-DNA position 404, G replaced by A.
Protein change: p.Ser135Asn; replaces serine 135 with asparagine.
Molecular consequence: missense variant.
Genome position (GRCh38, 1-based): chr1:234,609,091, C>T on the plus strand (G>A on the coding strand, the complement: IRF2BP2 is on the minus strand). VCF-style: chr1-234609091-C-T. GRCh37 (hg19) VCF-style: chr1-234744837-C-T.
Other names: c.404G>A, p.Ser135Asn (NM_001077397.1); short protein forms S135N.
Identifiers: ClinVar variation 1953530 (VCV001953530.5), dbSNP rs1202418143, ClinGen allele CA345310606.